The following is an entry in ClinVar:

ClinVar aggregate classification (germline): Uncertain significance (1 of 4 stars; one submission).

Conditions:
Cardiovascular phenotype. Identifiers: MedGen CN230736.

Submission:

Ambry Genetics
Classification: Uncertain significance for Cardiovascular phenotype. Last evaluated: 2024-11-09. Review status: criteria provided, single submitter. Criteria: Ambry Variant Classification Scheme 2023. Collection method: clinical testing. Allele origin: germline.
Comment: The c.4448delG variant, located in coding exon 31 of the LAMA4 gene, results from a deletion of one nucleotide at nucleotide position 4448, causing a translational frameshift with a predicted alternate stop codon (p.G1483Vfs*10). This alteration is expected to result in protein truncation or nonsense-mediated mRNA decay. However, loss of function of LAMA4 has not been established as a mechanism of disease. The evidence for this gene-disease relationship is limited; therefore, the clinical significance of this alteration is unclear.

NM_001105206.3(LAMA4):c.4469del (p.Gly1490fs)

Gene: LAMA4 (laminin subunit alpha 4; minus strand). Cytogenetic location: 6q21.
Variant type: Deletion.
Coding change: c.4469del on transcript NM_001105206.3 (MANE Select); coding-DNA position 4469, one base deleted (G; older notation c.4469delG).
Protein change: p.Gly1490fs; shifts the reading frame from glycine 1490.
Molecular consequence: frameshift variant.
Genome position (GRCh38, 1-based): chr6:112,122,020, C deleted on the plus strand (G on the coding strand, the reverse complement: LAMA4 is on the minus strand); the first of 2 consecutive C bases (chr6:112,122,020-112,122,021); deleting either gives the same sequence. VCF-style (leftmost placement, unchanged base first): chr6-112122019-AC-A. GRCh37 (hg19) VCF-style: chr6-112443222-AC-A.
Other names: c.4448del, p.Gly1483fs (NM_001105207.3, NM_002290.5); c.4448delG (NM_002290.3); short protein forms G1483fs, G1490fs.
Identifiers: ClinVar variation 3536958 (VCV003536958.1).